The following is an entry in ClinVar:

ClinVar aggregate classification (germline): Uncertain significance (1 of 4 stars; one submission).

Conditions:
Hereditary cancer-predisposing syndrome. Also called: Neoplastic Syndromes, Hereditary; Hereditary Cancer Syndrome; Tumor predisposition; Hereditary neoplastic syndrome. Identifiers: Orphanet 140162, MedGen C0027672, MeSH D009386, MONDO:0015356.

Submission:

Ambry Genetics
Classification: Uncertain significance for Hereditary cancer-predisposing syndrome. Last evaluated: 2024-12-30. Review status: criteria provided, single submitter. Criteria: Ambry Variant Classification Scheme 2023. Collection method: clinical testing. Allele origin: germline.
Comment: The c.3264delTinsCC variant, located in coding exon 26 of the POLE gene, results from the deletion of one nucleotide and insertion of two nucleotides causing a translational frameshift with a predicted alternate stop codon (p.V1089Rfs*35). This alteration is expected to result in loss of function by premature protein truncation or nonsense-mediated mRNA decay. Loss-of-function variants subject to nonsense mediated decay (NMD) in POLE are known to cause POLE deficiency; however, such associations with POLE-related polymerase proofreading-associated polyposis (PPAP) have not been reported. Based on the supporting evidence, this alteration is pathogenic for POLE deficiency; however, the association of this alteration with POLE-related polymerase proofreading-associated polyposis (PPAP) is unknown.

NM_006231.4(POLE):c.3264delinsCC (p.Val1089fs)

Gene: POLE (DNA polymerase epsilon, catalytic subunit; minus strand). Cytogenetic location: 12q24.33.
Variant type: Indel.
Coding change: c.3264delinsCC on transcript NM_006231.4 (MANE Select); coding-DNA position 3264, T replaced by CC.
Protein change: p.Val1089fs; shifts the reading frame from valine 1089.
Molecular consequence: frameshift variant.
Genome position (GRCh38, 1-based): chr12:132,659,306, A replaced by GG on the plus strand (T replaced by CC on the coding strand, the reverse complement: POLE is on the minus strand). VCF-style: chr12-132659306-A-GG. GRCh37 (hg19) VCF-style: chr12-133235892-A-GG.
Other names: short protein forms V1089fs.
Identifiers: ClinVar variation 3781516 (VCV003781516.1).
Genomic context (GRCh38, chr12:132,659,306, plus strand): 5'-TCCGTGATGGGAGGAGCCCTCACCTCTCCGTGATGGGGGGAGCCCTCACCTCTCCGTGAC[A>GG]GGGGAGCCCTCGGGCTTGCGGGAGATGATGTAGCGGCAACTCAGCCCTGCATCCTTGACC-3'